The following is an entry in ClinVar:

ClinVar aggregate classification (germline): Conflicting classifications of pathogenicity. Review status: criteria provided, conflicting classifications (1 of 4 stars). 2 submissions from 2 submitters: Uncertain significance (1); Likely benign (1). Last evaluated 2024-05-23.

Conditions:
Alstrom syndrome (ALMS). Identifiers: Orphanet 64, MedGen C0268425, MONDO:0008763, OMIM 203800.
Cardiovascular phenotype. Identifiers: MedGen CN230736.

Submissions (2):

Labcorp Genetics (formerly Invitae), Labcorp
Classification: Uncertain significance for Alstrom syndrome. Last evaluated: 2024-05-23. Review status: criteria provided, single submitter. Criteria: Invitae Variant Classification Sherloc (09022015). Collection method: clinical testing. Allele origin: germline.
Comment: This sequence change replaces valine, which is neutral and non-polar, with isoleucine, which is neutral and non-polar, at codon 1799 of the ALMS1 protein (p.Val1799Ile). This variant is not present in population databases (gnomAD no frequency). This variant has not been reported in the literature in individuals affected with ALMS1-related conditions. Experimental studies and prediction algorithms are not available or were not evaluated, and the functional significance of this variant is currently unknown. In summary, the available evidence is currently insufficient to determine the role of this variant in disease. Therefore, it has been classified as a Variant of Uncertain Significance.

Ambry Genetics
Classification: Likely benign for Cardiovascular phenotype. Last evaluated: 2023-11-03. Review status: criteria provided, single submitter. Criteria: Ambry Variant Classification Scheme 2023. Collection method: clinical testing. Allele origin: germline.

NM_001378454.1(ALMS1):c.5392G>A (p.Val1798Ile)

Gene: ALMS1 (ALMS1 centrosome and basal body associated protein; plus strand). Cytogenetic location: 2p13.1.
Variant type: single nucleotide variant.
Coding change: c.5392G>A on transcript NM_001378454.1 (MANE Select); coding-DNA position 5392, G replaced by A.
Protein change: p.Val1798Ile; replaces valine 1798 with isoleucine.
Molecular consequence: missense variant.
Genome position (GRCh38, 1-based): chr2:73,451,919, G>A. VCF-style: chr2-73451919-G-A. GRCh37 (hg19) VCF-style: chr2-73679046-G-A.
Other names: c.5395G>A, p.Val1799Ile (NM_015120.4); short protein forms V1798I, V1799I.
Identifiers: ClinVar variation 3226620 (VCV003226620.3), dbSNP rs2103786330, ClinGen allele CA347281937.